The following is an entry in ClinVar:

ClinVar aggregate classification (germline): Conflicting classifications of pathogenicity. Review status: criteria provided, conflicting classifications (1 of 4 stars). 4 submissions from 4 submitters: Likely pathogenic (1); Uncertain significance (3). Last evaluated 2024-02-06.

Conditions:
Retinal dystrophy. Also called: Inherited retinal dystrophy. Identifiers: Orphanet 71862, MedGen C0854723, MeSH D058499, MONDO:0019118, HP:0000556.

Allele frequency attached by ClinVar (database versions not stated): gnomAD 0.00002 and 0.00001; TOPMed 0.00002; gnomAD exomes 0.00001; ExAC 0.00002.

Submissions (4):

Labcorp Genetics (formerly Invitae), Labcorp
Classification: Likely pathogenic. Last evaluated: 2024-02-06. Review status: criteria provided, single submitter. Criteria: Invitae Variant Classification Sherloc (09022015). Collection method: clinical testing. Allele origin: germline.
Comment: This sequence change replaces proline, which is neutral and non-polar, with leucine, which is neutral and non-polar, at codon 196 of the ABCA4 protein (p.Pro196Leu). This variant is present in population databases (rs769176363, gnomAD 0.007%). This missense change has been observed in individual(s) with ABCA4-related conditions and/or Stargardt disease (PMID: 31766579; Invitae). ClinVar contains an entry for this variant (Variation ID: 546603). Advanced modeling of protein sequence and biophysical properties (such as structural, functional, and spatial information, amino acid conservation, physicochemical variation, residue mobility, and thermodynamic stability) performed at Invitae indicates that this missense variant is expected to disrupt ABCA4 protein function with a positive predictive value of 80%. In summary, the currently available evidence indicates that the variant is pathogenic, but additional data are needed to prove that conclusively. Therefore, this variant has been classified as Likely Pathogenic.

Blueprint Genetics
Classification: Uncertain significance. Last evaluated: 2022-04-28. Review status: criteria provided, single submitter. Criteria: ACMG Guidelines, 2015. Collection method: clinical testing. Allele origin: germline.

Institute of Human Genetics, Univ. Regensburg, Univ. Regensburg
Classification: Uncertain significance for Retinal dystrophy. Last evaluated: 2019-01-01. Review status: criteria provided, single submitter. Criteria: ACMG Guidelines, 2015. Collection method: clinical testing. Allele origin: germline. Affected: yes.

CeGaT Center for Human Genetics Tuebingen
Classification: Uncertain significance. Last evaluated: 2018-02-01. Review status: criteria provided, single submitter. Criteria: CeGaT Center For Human Genetics Tuebingen Variant Classification Criteria Version 2. Collection method: clinical testing. Allele origin: germline. Affected: yes. Observed: 1 variant allele.

Literature cited by the submitters: PubMed 31766579 (cited by Labcorp Genetics (formerly Invitae), Labcorp and Institute of Human Genetics, Univ. Regensburg, Univ. Regensburg).

NM_000350.3(ABCA4):c.587C>T (p.Pro196Leu)

Gene: ABCA4 (ATP binding cassette subfamily A member 4; minus strand). Cytogenetic location: 1p22.1.
Variant type: single nucleotide variant.
Coding change: c.587C>T on transcript NM_000350.3 (MANE Select); coding-DNA position 587, C replaced by T.
Protein change: p.Pro196Leu; replaces proline 196 with leucine.
Molecular consequence: missense variant.
Genome position (GRCh38, 1-based): chr1:94,098,975, G>A on the plus strand (C>T on the coding strand, the complement: ABCA4 is on the minus strand). VCF-style: chr1-94098975-G-A. GRCh37 (hg19) VCF-style: chr1-94564531-G-A.
Other names: c.587C>T, p.Pro196Leu (NM_001425324.1); short protein forms P196L.
Identifiers: ClinVar variation 546603 (VCV000546603.51), dbSNP rs769176363, ClinGen allele CA958794.